The following is an entry in ClinVar:

NM_032043.3(BRIP1):c.876del (p.Phe292fs)

Gene: BRIP1 (BRCA1 interacting DNA helicase 1; minus strand). Cytogenetic location: 17q23.2.
Variant type: Deletion.
Coding change: c.876del on transcript NM_032043.3 (MANE Select); coding-DNA position 876, one base deleted (C; older notation c.876delC).
Protein change: p.Phe292fs; shifts the reading frame from phenylalanine 292.
Molecular consequence: frameshift variant.
Genome position (GRCh38, 1-based): chr17:61,808,509, G deleted on the plus strand (C on the coding strand, the reverse complement: BRIP1 is on the minus strand). VCF-style (leftmost placement, unchanged base first): chr17-61808508-TG-T. GRCh37 (hg19) VCF-style: chr17-59885869-TG-T.
Other names: c.876delC (NM_032043.2); short protein forms F292fs.
Identifiers: ClinVar variation 483172 (VCV000483172.16), dbSNP rs1555609162, ClinGen allele CA658658677.

ClinVar aggregate classification (germline): Pathogenic. Review status: criteria provided, multiple submitters, no conflicts (2 of 4 stars). 3 submissions from 3 submitters: Pathogenic (3). Last evaluated 2024-01-04.

Conditions:
Hereditary cancer-predisposing syndrome. Also called: Hereditary neoplastic syndrome; Neoplastic Syndromes, Hereditary; Tumor predisposition; Hereditary Cancer Syndrome. Identifiers: Orphanet 140162, MedGen C0027672, MeSH D009386, MONDO:0015356.
Fanconi anemia complementation group J. Also called: BRIP1-Related Fanconi Anemia. Identifiers: Orphanet 84, MedGen C1836860, MONDO:0012187, OMIM 609054.
Familial cancer of breast. Also called: BREAST CANCER, FAMILIAL; Hereditary breast cancer; hereditary breast carcinoma. Identifiers: Orphanet 227535, MedGen C0346153, MONDO:0016419, OMIM 114480. Disease mechanism: loss of function.

Submissions (3):

Labcorp Genetics (formerly Invitae), Labcorp
Classification: Pathogenic for Familial cancer of breast; Fanconi anemia complementation group J. Last evaluated: 2024-01-04. Review status: criteria provided, single submitter. Criteria: Invitae Variant Classification Sherloc (09022015). Collection method: clinical testing. Allele origin: germline.
Comment: This sequence change creates a premature translational stop signal (p.Phe292Leufs*11) in the BRIP1 gene. It is expected to result in an absent or disrupted protein product. Loss-of-function variants in BRIP1 are known to be pathogenic (PMID: 16116423, 17033622, 21964575). This variant is not present in population databases (gnomAD no frequency). This variant has not been reported in the literature in individuals affected with BRIP1-related conditions. ClinVar contains an entry for this variant (Variation ID: 483172). Algorithms developed to predict the effect of sequence changes on RNA splicing suggest that this variant may disrupt the consensus splice site. For these reasons, this variant has been classified as Pathogenic.

Myriad Genetics, Inc.
Classification: Pathogenic for Familial cancer of breast. Last evaluated: 2023-06-01. Review status: criteria provided, single submitter. Criteria: Myriad Autosomal Dominant, Autosomal Recessive and X-Linked Classification Criteria (2023). Collection method: clinical testing. Allele origin: unknown.
Comment: This variant is considered pathogenic. This variant creates a frameshift predicted to result in premature protein truncation.

Ambry Genetics
Classification: Pathogenic for Hereditary cancer-predisposing syndrome. Last evaluated: 2020-02-27. Review status: criteria provided, single submitter. Criteria: Ambry Variant Classification Scheme 2023. Collection method: clinical testing. Allele origin: germline.
Comment: The c.876delC pathogenic mutation, located in coding exon 6 of the BRIP1 gene, results from a deletion of one nucleotide at nucleotide position 876, causing a translational frameshift with a predicted alternate stop codon (p.F292Lfs*11). This alteration is expected to result in loss of function by premature protein truncation or nonsense-mediated mRNA decay. As such, this alteration is interpreted as a disease-causing mutation.

Literature cited by the submitters: PubMed 16116423 (cited by Labcorp Genetics (formerly Invitae), Labcorp); PubMed 17033622 (cited by Labcorp Genetics (formerly Invitae), Labcorp); PubMed 21964575 (cited by Labcorp Genetics (formerly Invitae), Labcorp).